The following is an entry in ClinVar:

ClinVar aggregate classification (germline): Uncertain significance. Review status: criteria provided, multiple submitters, no conflicts (2 of 4 stars). 4 submissions from 4 submitters: Uncertain significance (3). 1 of the submissions does not count toward it. Last evaluated 2025-09-19.

Conditions:
Cardiomyopathy (CMYO). Also called: Cardiomyopathies. Identifiers: Orphanet 167848, MedGen C0878544, MONDO:0004994, HP:0001638. Inheritance: Various modes of inheritance.
Dystrophin deficiency.
Duchenne muscular dystrophy (DMD). Also called: MUSCULAR DYSTROPHY, PSEUDOHYPERTROPHIC PROGRESSIVE, DUCHENNE TYPE; Duchenne Muscular Dystrophy (DMD). Identifiers: Orphanet 98896, MedGen C0013264, MONDO:0010679, OMIM 310200.
Becker muscular dystrophy (BMD). Also called: Becker Muscular Dystrophy (BMD); MUSCULAR DYSTROPHY, PSEUDOHYPERTROPHIC PROGRESSIVE, BECKER TYPE. Identifiers: Orphanet 98895, MedGen C0917713, MONDO:0010311, OMIM 300376.
Cardiovascular phenotype. Identifiers: MedGen CN230736.

Allele frequency attached by ClinVar (database versions not stated): gnomAD 0.00003 and 0.00004; TOPMed 0.00006.

Submissions (4):

Labcorp Genetics (formerly Invitae), Labcorp
Classification: Uncertain significance for Duchenne muscular dystrophy. Last evaluated: 2025-09-19. Review status: criteria provided, single submitter. Criteria: Invitae Variant Classification Sherloc (09022015). Collection method: clinical testing. Allele origin: germline.
Comment: This sequence change replaces asparagine, which is neutral and polar, with serine, which is neutral and polar, at codon 1466 of the DMD protein (p.Asn1466Ser). This variant is present in population databases (no rsID available, gnomAD 0.02%). This variant has not been reported in the literature in individuals affected with DMD-related conditions. ClinVar contains an entry for this variant (Variation ID: 1062442). Invitae Evidence Modeling of protein sequence and biophysical properties (such as structural, functional, and spatial information, amino acid conservation, physicochemical variation, residue mobility, and thermodynamic stability) indicates that this missense variant is not expected to disrupt DMD protein function with a negative predictive value of 95%. In summary, the available evidence is currently insufficient to determine the role of this variant in disease. Therefore, it has been classified as a Variant of Uncertain Significance.

Ambry Genetics
Classification: Uncertain significance for Cardiovascular phenotype. Last evaluated: 2022-10-14. Review status: criteria provided, single submitter. Criteria: Ambry Variant Classification Scheme 2023. Collection method: clinical testing. Allele origin: germline.
Comment: The p.N1466S variant (also known as c.4397A>G), located in coding exon 32 of the DMD gene, results from an A to G substitution at nucleotide position 4397. The asparagine at codon 1466 is replaced by serine, an amino acid with highly similar properties. Based on data from gnomAD, the G allele has an overall frequency of 0.0046% (1/21875) total alleles studied, with 0 hemizygote(s) observed. The highest observed frequency was 0.0170% (1/5876) of African alleles. This amino acid position is highly conserved in available vertebrate species. In addition, this alteration is predicted to be tolerated by in silico analysis. Since supporting evidence is limited at this time, the clinical significance of this alteration remains unclear.

Women's Health and Genetics/Laboratory Corporation of America, LabCorp
Classification: Uncertain significance. Last evaluated: 2021-12-08. Review status: criteria provided, single submitter. Criteria: LabCorp Variant Classification Summary - May 2015. Collection method: clinical testing. Allele origin: germline.
Comment: Variant summary: DMD c.4397A>G (p.Asn1466Ser) results in a conservative amino acid change located in the Central rod domain: Repeat 11 (Actin binding - ABD2) (DOVE database) of the encoded protein sequence. Three of five in-silico tools predict a damaging effect of the variant on protein function. The variant was absent in 182803 control chromosomes (gnomAD). The available data on variant occurrences in the general population are insufficient to allow any conclusion about variant significance. To our knowledge, no occurrence of c.4397A>G in individuals affected with Dystrophinopathies and no experimental evidence demonstrating its impact on protein function have been reported. One ClinVar submitter (evaluation after 2014) cites the variant as uncertain significance. Based on the evidence outlined above, the variant was classified as uncertain significance.

Natera, Inc.
Classification: Uncertain significance for Becker muscular dystrophy; Cardiomyopathy; Duchenne muscular dystrophy; Dystrophin deficiency. Last evaluated: 2019-03-30. Review status: no assertion criteria provided. Collection method: clinical testing. Allele origin: germline. Not counted in ClinVar's aggregate classification.

NM_004006.3(DMD):c.4397A>G (p.Asn1466Ser)

Gene: DMD (dystrophin; minus strand). Cytogenetic location: Xp21.1.
Variant type: single nucleotide variant.
Coding change: c.4397A>G on transcript NM_004006.3 (MANE Select); coding-DNA position 4397, A replaced by G.
Protein change: p.Asn1466Ser; replaces asparagine 1466 with serine.
Molecular consequence: missense variant.
Genome position (GRCh38, 1-based): chrX:32,389,622, T>C on the plus strand (A>G on the coding strand, the complement: DMD is on the minus strand). VCF-style: chrX-32389622-T-C. GRCh37 (hg19) VCF-style: chrX-32407739-T-C.
Other names: c.4373A>G, p.Asn1458Ser (NM_000109.4); c.4385A>G, p.Asn1462Ser (NM_004009.3); c.4028A>G, p.Asn1343Ser (NM_004010.3); c.374A>G, p.Asn125Ser (NM_004011.4); c.365A>G, p.Asn122Ser (NM_004012.4); short protein forms N122S, N125S, N1343S, N1458S, N1462S, N1466S.
Identifiers: ClinVar variation 1062442 (VCV001062442.8), dbSNP rs910214749, ClinGen allele CA327986740.